The following is an entry in ClinVar:

ClinVar aggregate classification (germline): Conflicting classifications of pathogenicity. Review status: criteria provided, conflicting classifications (1 of 4 stars). 5 submissions from 5 submitters: Uncertain significance (1); Likely benign (3). 1 of the submissions does not count toward it. Last evaluated 2026-01-24.

Conditions:
Inborn genetic diseases. Identifiers: MedGen C0950123, MeSH D030342.
BCKDHA-related disorder. Also called: BCKDHA-related condition.
Maple syrup urine disease (MSUD). Identifiers: Orphanet 511, MedGen C0024776, MeSH D008375, MONDO:0009563. Disease mechanism: loss of function.

Allele frequency attached by ClinVar (database versions not stated): gnomAD exomes 0.00013; ExAC 0.00008; gnomAD 0.00011 and 0.00013; ESP Exome Variant Server 0.00008; TOPMed 0.00011.
gnomAD v4.1: 173 of 1,613,700 alleles (0.011%); highest among the groups gnomAD compares: Non-Finnish European, 0.011%; no homozygotes.

Submissions (5):

Labcorp Genetics (formerly Invitae), Labcorp
Classification: Likely benign for Maple syrup urine disease. Last evaluated: 2026-01-24. Review status: criteria provided, single submitter. Criteria: Invitae Variant Classification Sherloc (09022015). Collection method: clinical testing. Allele origin: germline.

Ambry Genetics
Classification: Likely benign for Inborn genetic diseases. Last evaluated: 2023-05-22. Review status: criteria provided, single submitter. Criteria: Ambry Variant Classification Scheme 2023. Collection method: clinical testing. Allele origin: germline.

Genome-Nilou Lab
Classification: Likely benign for Maple syrup urine disease type 1A. Last evaluated: 2021-11-07. Review status: criteria provided, single submitter. Criteria: ACMG Guidelines, 2015. Collection method: clinical testing. Allele origin: germline. Affected: no.

Eurofins Ntd Llc (ga)
Classification: Uncertain significance. Last evaluated: 2013-09-03. Review status: criteria provided, single submitter. Criteria: EGL Classification Definitions 2015. Collection method: clinical testing. Allele origin: germline. Observed: 1 variant allele, 1 heterozygote.

PreventionGenetics, part of Exact Sciences
Classification: Likely benign for BCKDHA-related condition. Last evaluated: 2024-01-05. Review status: no assertion criteria provided. Collection method: clinical testing. Allele origin: germline. Not counted in ClinVar's aggregate classification.
Comment: This variant is classified as likely benign based on ACMG/AMP sequence variant interpretation guidelines (Richards et al. 2015 PMID: 25741868, with internal and published modifications).

NM_000709.4(BCKDHA):c.663C>T (p.Tyr221=)

Gene: BCKDHA (branched chain keto acid dehydrogenase E1 subunit alpha; plus strand). Cytogenetic location: 19q13.2.
Variant type: single nucleotide variant.
Coding change: c.663C>T on transcript NM_000709.4 (MANE Select); coding-DNA position 663, C replaced by T.
Protein change: p.Tyr221=; no amino-acid change (tyrosine 221 retained).
Molecular consequence: synonymous variant.
Genome position (GRCh38, 1-based): chr19:41,422,180, C>T. VCF-style: chr19-41422180-C-T. GRCh37 (hg19) VCF-style: chr19-41928085-C-T.
Other names: c.663C>T, p.Tyr221= (NM_001164783.2).
Identifiers: ClinVar variation 93368 (VCV000093368.22), dbSNP rs151227241, ClinGen allele CA221208.
Genomic context (GRCh38, chr19:41,422,180, plus strand): 5'-ATGTGAGTCTCCGCCCCTGCTCACCACCCTCTCATCCCCTGCAGCGGTGGGGGCGGCGTA[C>T]GCAGCCAAGCGGGCCAATGCCAACAGGGTCGTCATCTGTTACTTCGGCGAGGGGGCAGCC-3'
Protein context (NP_000700.1, residues 211-231): TQIPQAVGAA[Tyr221=]AAKRANANRV